The following is an entry in ClinVar:

ClinVar aggregate classification (germline): Pathogenic. Review status: criteria provided, multiple submitters, no conflicts (2 of 4 stars). 6 submissions from 6 submitters: Pathogenic (6). Last evaluated 2025-10-01.

Conditions:
CLCN4-related disorder. Identifiers: MedGen CN232948.
Inborn genetic diseases. Identifiers: MedGen C0950123, MeSH D030342.
Intellectual disability, X-linked 49 (MRXSRC). Also called: CLCN4-related X-linked intellectual disability syndrome; RAYNAUD-CLAES SYNDROME; MENTAL RETARDATION, X-LINKED 15; MRX49; CLCN4-Related Neurodevelopmental Disorder. Identifiers: Orphanet 485350, Orphanet 777, MedGen C0796221, MONDO:0010250, OMIM 300114.

Submissions (6):

Labcorp Genetics (formerly Invitae), Labcorp
Classification: Pathogenic. Last evaluated: 2025-10-01. Review status: criteria provided, single submitter. Criteria: Invitae Variant Classification Sherloc (09022015). Collection method: clinical testing. Allele origin: germline.
Comment: This sequence change replaces alanine, which is neutral and non-polar, with valine, which is neutral and non-polar, at codon 555 of the CLCN4 protein (p.Ala555Val). This variant is not present in population databases (gnomAD no frequency). This missense change has been observed in individual(s) with CLCN4-related conditions (PMID: 27550844). In at least one individual the variant was observed to be de novo. ClinVar contains an entry for this variant (Variation ID: 209115). Invitae Evidence Modeling of protein sequence and biophysical properties (such as structural, functional, and spatial information, amino acid conservation, physicochemical variation, residue mobility, and thermodynamic stability) has been performed for this missense variant. However, the output from this modeling did not meet the statistical confidence thresholds required to predict the impact of this variant on CLCN4 protein function. Experimental studies have shown that this missense change affects CLCN4 function (PMID: 27550844). For these reasons, this variant has been classified as Pathogenic.

Ambry Genetics
Classification: Pathogenic for Inborn genetic diseases. Last evaluated: 2024-08-26. Review status: criteria provided, single submitter. Criteria: Ambry Variant Classification Scheme 2023. Collection method: clinical testing. Allele origin: germline.
Comment: The p.A555V variant (also known as c.1664C>T), located in coding exon 9 of the CLCN4 gene, results from a C to T substitution at nucleotide position 1664. The alanine at codon 555 is replaced by valine, an amino acid with similar properties. This amino acid position is highly conserved in available vertebrate species. This alteration is predicted to be deleterious by in silico analysis. This variant was not reported in population-based cohorts in the Genome Aggregation Database (gnomAD). This variant has been determined to be the result of a de novo mutation in multiple individuals with features consistent with Raynaud-Claes syndrome (Palmer, 2022; Ambry internal data). In an assay testing CLCN4 function, this variant showed a functionally abnormal result (Palmer, 2022).

GeneDx
Classification: Pathogenic. Last evaluated: 2024-04-10. Review status: criteria provided, single submitter. Criteria: GeneDx Variant Classification Process June 2021. Collection method: clinical testing. Allele origin: germline. Affected: yes.
Comment: Published functional studies demonstrate A555V reduced the outwardly rectifying CIC-4 current, suggesting a damaging effect (PMID: 27550844); In silico analysis supports that this missense variant has a deleterious effect on protein structure/function; Not observed at significant frequency in large population cohorts (gnomAD); This variant is associated with the following publications: (PMID: 33057194, 35982159, 26633542, 34426522, 36385166, 27550844)

Gene2Care/ Palmer Lab, University of New South Wales
Classification: Pathogenic for Intellectual disability, X-linked 49. Last evaluated: 2022-05-27. Review status: criteria provided, single submitter. Criteria: ACMG Guidelines, 2015. Collection method: clinical testing. Allele origin: germline. Affected: yes.

Center for Pediatric Genomic Medicine, Children's Mercy Hospital and Clinics
Classification: Pathogenic. Last evaluated: 2016-11-15. Review status: criteria provided, single submitter. Criteria: ACMG Guidelines, 2015. Collection method: clinical testing. Allele origin: de novo.

Sydney Children's Hospital, SCHN
Classification: Pathogenic for CLCN4-related disorder. Last evaluated: 2016-03-22. Review status: criteria provided, single submitter. Criteria: Submitter's publication. Collection method: clinical testing. Allele origin: de novo. Inheritance: Sporadic. Affected: yes. Observed: 1 variant allele, 1 heterozygote.
Comment: De novo variant. Clinical phenotype consistent with case series of individuals with CLCN4 related disorder.

Literature cited by the submitters: PubMed 27550844 (cited by Labcorp Genetics (formerly Invitae), Labcorp).

NM_001830.4(CLCN4):c.1664C>T (p.Ala555Val)

Gene: CLCN4 (Cl-/H+ antiporter 4; plus strand). Cytogenetic location: Xp22.2.
Variant type: single nucleotide variant.
Coding change: c.1664C>T on transcript NM_001830.4 (MANE Select); coding-DNA position 1664, C replaced by T.
Protein change: p.Ala555Val; replaces alanine 555 with valine.
Molecular consequence: missense variant.
Genome position (GRCh38, 1-based): chrX:10,213,768, C>T. VCF-style: chrX-10213768-C-T. GRCh37 (hg19) VCF-style: chrX-10181808-C-T.
Other names: c.1382C>T, p.Ala461Val (NM_001256944.2); short protein forms A555V, A461V.
Identifiers: ClinVar variation 209115 (VCV000209115.43), dbSNP rs879255583, ClinGen allele CA10575779.